The following is an entry in ClinVar:

NM_017547.4(FOXRED1):c.675G>T (p.Gln225His)

Gene: FOXRED1 (FAD dependent oxidoreductase domain containing 1; plus strand). Cytogenetic location: 11q24.2.
Variant type: single nucleotide variant.
Coding change: c.675G>T on transcript NM_017547.4 (MANE Select); coding-DNA position 675, G replaced by T.
Protein change: p.Gln225His; replaces glutamine 225 with histidine.
Molecular consequence: missense variant. On other transcripts: non-coding transcript variant (2).
Genome position (GRCh38, 1-based): chr11:126,275,370, G>T. VCF-style: chr11-126275370-G-T. GRCh37 (hg19) VCF-style: chr11-126145265-G-T.
Other names: c.675G>T (NM_017547.3); short protein forms Q225H.
Identifiers: ClinVar variation 1460553 (VCV001460553.6), dbSNP rs150562772, ClinGen allele CA230562461.

ClinVar aggregate classification (germline): Conflicting classifications of pathogenicity. Review status: criteria provided, conflicting classifications (1 of 4 stars). 3 submissions from 3 submitters: Uncertain significance (2); Likely benign (1). Last evaluated 2025-08-05.

Conditions:
Inborn genetic diseases. Identifiers: MedGen C0950123, MeSH D030342.

Allele frequency attached by ClinVar (database versions not stated): gnomAD exomes 0.00003; gnomAD 0.00007 and 0.00008; ESP Exome Variant Server 0.00008.
gnomAD v4.1: 27 of 1,613,906 alleles (0.0017%); highest among the groups gnomAD compares: African/African-American, 0.031%; no homozygotes.

Submissions (3):

GeneDx
Classification: Uncertain significance. Last evaluated: 2025-08-05. Review status: criteria provided, single submitter. Criteria: GeneDx Variant Classification Process June 2021. Collection method: clinical testing. Allele origin: germline. Affected: yes.
Comment: In silico analysis suggests that this missense variant does not alter protein structure/function; Has not been previously published as pathogenic or benign to our knowledge

Ambry Genetics
Classification: Likely benign for Inborn genetic diseases. Last evaluated: 2022-02-11. Review status: criteria provided, single submitter. Criteria: Ambry Variant Classification Scheme 2023. Collection method: clinical testing. Allele origin: germline.

Labcorp Genetics (formerly Invitae), Labcorp
Classification: Uncertain significance. Last evaluated: 2021-12-02. Review status: criteria provided, single submitter. Criteria: Invitae Variant Classification Sherloc (09022015). Collection method: clinical testing. Allele origin: germline.
Comment: This sequence change replaces glutamine, which is neutral and polar, with histidine, which is basic and polar, at codon 225 of the FOXRED1 protein (p.Gln225His). This variant is present in population databases (rs150562772, gnomAD 0.02%). This variant has not been reported in the literature in individuals affected with FOXRED1-related conditions. Advanced modeling of protein sequence and biophysical properties (such as structural, functional, and spatial information, amino acid conservation, physicochemical variation, residue mobility, and thermodynamic stability) performed at Invitae indicates that this missense variant is not expected to disrupt FOXRED1 protein function. In summary, the available evidence is currently insufficient to determine the role of this variant in disease. Therefore, it has been classified as a Variant of Uncertain Significance.